The following is an entry in ClinVar:

NM_001146197.3(LRTM3):c.20387T>C (p.Val6796Ala)

Gene: LRTM3 (leucine rich repeat transmembrane protein 3; minus strand). Cytogenetic location: 13q33.1.
Variant type: single nucleotide variant.
Coding change: c.20387T>C on transcript NM_001146197.3 (MANE Select); coding-DNA position 20387, T replaced by C.
Protein change: p.Val6796Ala; replaces valine 6796 with alanine.
Molecular consequence: missense variant.
Genome position (GRCh38, 1-based): chr13:102,730,310, A>G on the plus strand (T>C on the coding strand, the complement: LRTM3 is on the minus strand). VCF-style: chr13-102730310-A-G. GRCh37 (hg19) VCF-style: chr13-103382660-A-G.
Other names: short protein forms V6796A.
Identifiers: ClinVar variation 2643903 (VCV002643903.24), dbSNP rs144153566, ClinGen allele CA7038679.
Genomic context (GRCh38, chr13:102,730,310, plus strand): 5'-TGTAATTCAAATAGAATGTTTTCTGATTCCTGACTTAAATAAGAGTTGGCTTCCAGAAAC[A>G]CACATTCCTCACTCTCACTTACTTCAAGACATGAACACTCGTCCAAGTCAGCTGGACTCT-3'
Protein context (NP_001139669.1, residues 6786-6806): CLEVSESEEC[Val6796Ala]FLEANSYLSQ

ClinVar aggregate classification (germline): Likely benign (1 of 4 stars; one submission).

Allele frequency attached by ClinVar (database versions not stated): 1000 Genomes Project 30x 0.00219; 1000 Genomes Project 0.00220; ExAC 0.00347; gnomAD 0.00537; ESP Exome Variant Server 0.00591; TOPMed 0.00610; gnomAD exomes 0.00778.
gnomAD v4.1: 11,632 of 1,551,386 alleles (0.75%); highest among the groups gnomAD compares: Non-Finnish European, 0.93%; 59 homozygotes.

Submission:

CeGaT Center for Human Genetics Tuebingen
Classification: Likely benign. Last evaluated: 2022-12-01. Review status: criteria provided, single submitter. Criteria: CeGaT Center For Human Genetics Tuebingen Variant Classification Criteria Version 2. Collection method: clinical testing. Allele origin: germline. Affected: yes. Observed: 1 variant allele.
Comment: LRTM3: BP4, BS2